The following is an entry in ClinVar:

ClinVar aggregate classification (germline): Likely pathogenic (1 of 4 stars; one submission).

Conditions:
Retinitis pigmentosa 25 (RP25). Identifiers: Orphanet 791, MedGen C1864446, MONDO:0011272, OMIM 602772.

Submission:

Foundation for Research in Genetics and Endocrinology, FRIGE's Institute of Human Genetics
Classification: Likely pathogenic for Retinitis pigmentosa 25. Last evaluated: 2026-06-27. Review status: criteria provided, single submitter. Criteria: ACMG Guidelines, 2015. Collection method: clinical testing. Allele origin: germline. Inheritance: Autosomal recessive inheritance. Affected: yes. Observed: 1 variant allele, 1 homozygote.
Comment: A homozygous exonic deletion of size [~0.11 KB], on chromosome 6 [chr6:g.(63984604_63999074)_(63999184_64066337)del], comprising exon 34 of the EYS gene [c.(6725+1_6726- 1)_(6834+1_6835-1); ENST00000503581.6], suggestive of a copy number variant was detected. The coverage and depth of these regions are sufficiently targeted in this assay (WES) and hence, the results are likely to be suggestive of a homozygous deletion of this region [CNV ratio: 0.00; BF value: 12.80]. Exon deletions in the EYS gene have previously been reported in patients affected with Retinitis pigmentosa [PMID: 31814702].

Literature cited by the submitters: PubMed 31814702.

NC_000006.12:g.(63984604_63999074)_(63999184_64066337)del

Genes: EYS (EGF-like photoreceptor maintenance factor; minus strand), LOC113175011 (Sharpr-MPRA regulatory region 10142; plus strand), LOC123744835 (Sharpr-MPRA regulatory region 3621; plus strand). Cytogenetic location: 6q12.
Variant type: Deletion.
Identifiers: ClinVar variation 4880183 (VCV004880183.1).